The following is an entry in ClinVar:

NM_153676.4(USH1C):c.*405C>G

Gene: USH1C (USH1 protein network component harmonin; minus strand). Cytogenetic location: 11p15.1.
Variant type: single nucleotide variant.
Coding change: c.*405C>G on transcript NM_153676.4 (MANE Select); 405 bases downstream of the stop codon, C replaced by G.
Molecular consequence: 3 prime UTR variant. On other transcripts: non-coding transcript variant (1).
Genome position (GRCh38, 1-based): chr11:17,493,927, G>C on the plus strand (C>G on the coding strand, the complement: USH1C is on the minus strand). VCF-style: chr11-17493927-G-C. GRCh37 (hg19) VCF-style: chr11-17515474-G-C.
Other names: c.*437C>G (NM_001297764.2, NM_005709.4).
Identifiers: ClinVar variation 303794 (VCV000303794.6), dbSNP rs11827649, ClinGen allele CA10637963.

ClinVar aggregate classification (germline): Likely benign. Review status: criteria provided, multiple submitters, no conflicts (2 of 4 stars). 2 submissions from 2 submitters: Likely benign (2). Last evaluated 2018-01-12.

Conditions:
Usher syndrome type 1C. Also called: USHER SYNDROME, TYPE I, ACADIAN VARIETY. Identifiers: Orphanet 231169, Orphanet 886, MedGen C1848604, MONDO:0010171, OMIM 276904.

Allele frequency attached by ClinVar (database versions not stated): 1000 Genomes Project 0.00559; gnomAD 0.00603 and 0.00654; 1000 Genomes Project 30x 0.00625; TOPMed 0.00649.
gnomAD v4.1: 1,024 of 278,574 alleles (0.37%); highest among the groups gnomAD compares: African/African-American, 2.1%; 12 homozygotes.

Submissions (2):

Illumina Laboratory Services, Illumina
Classification: Likely benign for Usher syndrome type 1C. Last evaluated: 2018-01-12. Review status: criteria provided, single submitter. Criteria: ICSL Variant Classification Criteria 13 December 2019. Collection method: clinical testing. Allele origin: germline.
Comment: This variant was observed in the ICSL laboratory as part of a predisposition screen in an ostensibly healthy population. It had not been previously curated by ICSL or reported in the Human Gene Mutation Database (HGMD: prior to June 1st, 2018), and was therefore a candidate for classification through an automated scoring system. Utilizing variant allele frequency, disease prevalence and penetrance estimates, and inheritance mode, an automated score was calculated to assess if this variant is too frequent to cause the disease. Based on the score and internal cut-off values, a variant classified as likely benign is not then subjected to further curation. The score for this variant resulted in a classification of likely benign for this disease.

Breakthrough Genomics
Classification: Likely benign. Review status: criteria provided, single submitter. Criteria: ACMG Guidelines, 2015. Collection method: not provided. Allele origin: germline. Inheritance: Autosomal recessive inheritance. Affected: yes.